The following is an entry in ClinVar:

NM_006576.4(AVIL):c.237C>G (p.Thr79=)

Gene: AVIL (advillin; minus strand). Cytogenetic location: 12q14.1.
Variant type: single nucleotide variant.
Coding change: c.237C>G on transcript NM_006576.4 (MANE Select); coding-DNA position 237, C replaced by G.
Protein change: p.Thr79=; no amino-acid change (threonine 79 retained).
Molecular consequence: synonymous variant.
Genome position (GRCh38, 1-based): chr12:57,813,328, G>C on the plus strand (C>G on the coding strand, the complement: AVIL is on the minus strand). VCF-style: chr12-57813328-G-C. GRCh37 (hg19) VCF-style: chr12-58207111-G-C.
Identifiers: ClinVar variation 4982611 (VCV004982611.1).

ClinVar aggregate classification (germline): Likely benign (1 of 4 stars; one submission).

Conditions:
AVIL-related disorder. Also called: AVIL-related condition.

gnomAD v4.1: 1 of 1,613,984 alleles (0.000062%); highest among the groups gnomAD compares: African/African-American, 0.0013%; no homozygotes.

Submission:

PreventionGenetics, part of Exact Sciences
Classification: Likely benign for AVIL-related condition. Last evaluated: 2026-04-01. Review status: criteria provided, single submitter. Criteria: ACMG Guidelines, 2015. Collection method: clinical testing. Allele origin: germline.
Comment: This variant is classified as likely benign based on ACMG/AMP sequence variant interpretation guidelines (Richards et al. 2015 PMID: 25741868, with internal and published modifications).